The following is an entry in ClinVar:

NM_000755.5(CRAT):c.16G>T (p.Ala6Ser)

Gene: CRAT (carnitine O-acetyltransferase; minus strand). Cytogenetic location: 9q34.11.
Variant type: single nucleotide variant.
Coding change: c.16G>T on transcript NM_000755.5 (MANE Select); coding-DNA position 16, G replaced by T.
Protein change: p.Ala6Ser; replaces alanine 6 with serine.
Molecular consequence: missense variant. On other transcripts: 5 prime UTR variant (4).
Genome position (GRCh38, 1-based): chr9:129,110,494, C>A on the plus strand (G>T on the coding strand, the complement: CRAT is on the minus strand). VCF-style: chr9-129110494-C-A. GRCh37 (hg19) VCF-style: chr9-131872773-C-A.
Other names: c.-147G>T (NM_001257363.3, NM_001346548.2); c.-157G>T (NM_001346546.2); c.16G>T, p.Ala6Ser (NM_001346547.2, NM_001346549.2); c.-427G>T (NM_004003.4); short protein forms A6S.
Identifiers: ClinVar variation 3649174 (VCV003649174.2).

ClinVar aggregate classification (germline): Uncertain significance (1 of 4 stars; one submission).

Submission:

Labcorp Genetics (formerly Invitae), Labcorp
Classification: Uncertain significance. Last evaluated: 2024-04-09. Review status: criteria provided, single submitter. Criteria: Invitae Variant Classification Sherloc (09022015). Collection method: clinical testing. Allele origin: germline.
Comment: This sequence change replaces alanine, which is neutral and non-polar, with serine, which is neutral and polar, at codon 6 of the CRAT protein (p.Ala6Ser). This variant is not present in population databases (gnomAD no frequency). This variant has not been reported in the literature in individuals affected with CRAT-related conditions. An algorithm developed to predict the effect of missense changes on protein structure and function (PolyPhen-2) suggests that this variant is likely to be tolerated. In summary, the available evidence is currently insufficient to determine the role of this variant in disease. Therefore, it has been classified as a Variant of Uncertain Significance.